The following is an entry in ClinVar:

NM_001386795.1(DTNA):c.1231C>G (p.Pro411Ala)

Gene: DTNA (dystrobrevin alpha; plus strand). Cytogenetic location: 18q12.1.
Variant type: single nucleotide variant.
Coding change: c.1231C>G on transcript NM_001386795.1 (MANE Select); coding-DNA position 1231, C replaced by G.
Protein change: p.Pro411Ala; replaces proline 411 with alanine.
Molecular consequence: missense variant. On other transcripts: intron variant (32).
Genome position (GRCh38, 1-based): chr18:34,838,149, C>G. VCF-style: chr18-34838149-C-G. GRCh37 (hg19) VCF-style: chr18-32418113-C-G.
Other names: c.277C>G, p.Pro93Ala (NM_001198942.1); c.1231C>G, p.Pro411Ala (NM_001386788.1); c.1150C>G, p.Pro384Ala (NM_001390.5, NM_001391.5); c.1141C>G, p.Pro381Ala (NM_032978.7); c.187C>G, p.Pro63Ala (NM_032980.4); c.1095-10147C>G (NM_032975.4, NM_001386761.1, NM_001386762.1 and 1 more transcripts); c.1175+8660C>G (NM_001386754.1, NM_001386755.1, NM_001386760.1 and 5 more transcripts); c.1086-10147C>G (NM_001386763.1, NM_001386764.1, NM_001386768.1 and 13 more transcripts); and 4 more; short protein forms P381A, P384A, P411A, P63A, P93A.
Identifiers: ClinVar variation 2424135 (VCV002424135.7), dbSNP rs2519081217, ClinGen allele CA402172143.
Genomic context (GRCh38, chr18:34,838,149, plus strand): 5'-ACTAGCTCTCCTCCCAAGGACAGTGAAGTAGAGCAGAACAAACTGCTGGCTAGGGCTGCT[C>G]CAGCTTTTCTGAAGGGCAAAGGGTAAGTTACAGCCAGAGTGTACTGGAACCCTGCATTAA-3'
Protein context (NP_001373724.1, residues 401-421): EQNKLLARAA[Pro411Ala]AFLKGKGIQY

ClinVar aggregate classification (germline): Uncertain significance. Review status: criteria provided, multiple submitters, no conflicts (2 of 4 stars). 2 submissions from 2 submitters: Uncertain significance (2). Last evaluated 2024-02-08.

Conditions:
Left ventricular noncompaction 1 (LVNC1). Also called: LEFT VENTRICULAR NONCOMPACTION 1 WITH OR WITHOUT CONGENITAL HEART DEFECTS. Identifiers: Orphanet 54260, MedGen C1858725, MONDO:0011403, OMIM 604169.

Allele frequency attached by ClinVar (database versions not stated): gnomAD exomes below 0.00001.
gnomAD v4.1: 2 of 1,613,864 alleles (0.00012%); highest among the groups gnomAD compares: Non-Finnish European, 0.00017%; no homozygotes.

Submissions (2):

Blueprint Genetics
Classification: Uncertain significance. Last evaluated: 2024-02-08. Review status: criteria provided, single submitter. Criteria: ACMG Guidelines, 2015. Collection method: clinical testing. Allele origin: germline.

Labcorp Genetics (formerly Invitae), Labcorp
Classification: Uncertain significance for Left ventricular noncompaction 1. Last evaluated: 2022-02-06. Review status: criteria provided, single submitter. Criteria: Invitae Variant Classification Sherloc (09022015). Collection method: clinical testing. Allele origin: germline.
Comment: In summary, the available evidence is currently insufficient to determine the role of this variant in disease. Therefore, it has been classified as a Variant of Uncertain Significance. Algorithms developed to predict the effect of missense changes on protein structure and function (SIFT, PolyPhen-2, Align-GVGD) all suggest that this variant is likely to be tolerated. This variant has not been reported in the literature in individuals affected with DTNA-related conditions. This variant is not present in population databases (gnomAD no frequency). This sequence change replaces proline, which is neutral and non-polar, with alanine, which is neutral and non-polar, at codon 384 of the DTNA protein (p.Pro384Ala).